The following is an entry in ClinVar:

ClinVar aggregate classification (germline): Uncertain significance (1 of 4 stars; one submission).

Conditions:
Hereditary cancer-predisposing syndrome. Also called: Neoplastic Syndromes, Hereditary; Tumor predisposition; Hereditary neoplastic syndrome; Hereditary Cancer Syndrome. Identifiers: Orphanet 140162, MedGen C0027672, MeSH D009386, MONDO:0015356.

Submission:

Ambry Genetics
Classification: Uncertain significance for Hereditary cancer-predisposing syndrome. Last evaluated: 2024-06-21. Review status: criteria provided, single submitter. Criteria: Ambry Variant Classification Scheme 2023. Collection method: clinical testing. Allele origin: germline.
Comment: The p.G218C variant (also known as c.652G>T), located in coding exon 5 of the SUFU gene, results from a G to T substitution at nucleotide position 652. The glycine at codon 218 is replaced by cysteine, an amino acid with highly dissimilar properties. This amino acid position is conserved. In addition, this alteration is predicted to be deleterious by in silico analysis. Based on the available evidence, the clinical significance of this variant remains unclear.

NM_016169.4(SUFU):c.652G>T (p.Gly218Cys)

Gene: SUFU (SUFU negative regulator of hedgehog signaling; plus strand). Cytogenetic location: 10q24.32.
Variant type: single nucleotide variant.
Coding change: c.652G>T on transcript NM_016169.4 (MANE Select); coding-DNA position 652, G replaced by T.
Protein change: p.Gly218Cys; replaces glycine 218 with cysteine.
Molecular consequence: missense variant.
Genome position (GRCh38, 1-based): chr10:102,593,690, G>T. VCF-style: chr10-102593690-G-T. GRCh37 (hg19) VCF-style: chr10-104353447-G-T.
Other names: c.652G>T, p.Gly218Cys (NM_001178133.2); short protein forms G218C.
Identifiers: ClinVar variation 3323558 (VCV003323558.1).